The following is an entry in ClinVar:

NM_000199.5(SGSH):c.544C>T (p.Arg182Cys)

Gene: SGSH (N-sulfoglucosamine sulfohydrolase; minus strand). Cytogenetic location: 17q25.3.
Variant type: single nucleotide variant.
Coding change: c.544C>T on transcript NM_000199.5 (MANE Select); coding-DNA position 544, C replaced by T.
Protein change: p.Arg182Cys; replaces arginine 182 with cysteine.
Molecular consequence: missense variant. On other transcripts: non-coding transcript variant (1).
Genome position (GRCh38, 1-based): chr17:80,214,291, G>A on the plus strand (C>T on the coding strand, the complement: SGSH is on the minus strand). VCF-style: chr17-80214291-G-A. GRCh37 (hg19) VCF-style: chr17-78188090-G-A.
Other names: c.544C>T, p.Arg182Cys (NM_001352922.2, NM_001352921.3); short protein forms R182C.
Identifiers: ClinVar variation 523015 (VCV000523015.26), dbSNP rs529855742, ClinGen allele CA8817949.

ClinVar aggregate classification (germline): Pathogenic/Likely pathogenic. Review status: criteria provided, multiple submitters, no conflicts (2 of 4 stars). 11 submissions from 11 submitters: Pathogenic (9); Likely pathogenic (2). Last evaluated 2026-10-05.

Conditions:
Mucopolysaccharidosis, MPS-III-A (MPS3A). Also called: Mucopolysaccharidosis, type IIIA; MPS III A; MUCOPOLYSACCHARIDOSIS, TYPE IIIA, ATTENUATED; mucopolysaccharidosis type 3A; MPS IIIA (Sanfilippo Syndrome Type A); Mucopolysaccharidosis type IIIA (Sanfilippo A). Identifiers: Orphanet 581, Orphanet 79269, MedGen C0086647, MONDO:0009655, OMIM 252900.

Allele frequency attached by ClinVar (database versions not stated): gnomAD 0.00001 and 0.00002; gnomAD exomes 0.00001 and below 0.00001; ExAC 0.00001; 1000 Genomes Project 30x 0.00016; TOPMed 0.00001; 1000 Genomes Project 0.00020.
gnomAD v4.1: 10 of 1,613,150 alleles (0.00062%); highest among the groups gnomAD compares: East Asian, 0.0045%; no homozygotes.

Submissions (11):

GeneDx
Classification: Pathogenic. Last evaluated: 2026-10-05. Review status: criteria provided, single submitter. Criteria: GeneDx Variant Classification Process June 2021. Collection method: clinical testing. Allele origin: germline.
Comment: Published functional studies found this variant is associated with significantly reduced enzyme activity (PMID: 10727844); In silico analysis supports that this missense variant has a deleterious effect on protein structure/function; Not observed at significant frequency in large population cohorts (gnomAD); This variant is associated with the following publications: (PMID: 25807448, 9554748, 24816101, 38719349, 24173409, 35768874, Ramanathan2025[preprint], 9158154, 30809705, 41812850, 21204211, 21061399, 39201540, 34813777, 10727844)

Labcorp Genetics (formerly Invitae), Labcorp
Classification: Pathogenic for Mucopolysaccharidosis, MPS-III-A. Last evaluated: 2026-01-17. Review status: criteria provided, single submitter. Criteria: Invitae Variant Classification Sherloc (09022015). Collection method: clinical testing. Allele origin: germline.
Comment: This sequence change replaces arginine, which is basic and polar, with cysteine, which is neutral and slightly polar, at codon 182 of the SGSH protein (p.Arg182Cys). This variant is present in population databases (rs529855742, gnomAD 0.006%). This missense change has been observed in individual(s) with mucopolysaccharidosis IIIA (PMID: 9554748, 21061399, 30809705). In at least one individual the data is consistent with being in trans (on the opposite chromosome) from a pathogenic variant. ClinVar contains an entry for this variant (Variation ID: 523015). Invitae Evidence Modeling of protein sequence and biophysical properties (such as structural, functional, and spatial information, amino acid conservation, physicochemical variation, residue mobility, and thermodynamic stability) indicates that this missense variant is expected to disrupt SGSH protein function with a positive predictive value of 95%. Experimental studies have shown that this missense change affects SGSH function (PMID: 10727844). For these reasons, this variant has been classified as Pathogenic.

Natera, Inc.
Classification: Pathogenic for Mucopolysaccharidosis type IIIA. Last evaluated: 2025-03-26. Review status: criteria provided, single submitter. Criteria: Natera Variant Classification Schema (03/2026). Collection method: clinical testing. Allele origin: germline.
Comment: The c.544C>T variant in SGSH is a missense variant predicted to cause substitution of arginine to cysteine at amino acid 182. This variant is rare in the general population with a frequency below the threshold expected for the associated phenotype(s). This variant has been observed in one or more individuals affected with the associated recessive disease, as either homozygous or compound heterozygous with a second variant (PMID: 21061399, 34813777). Functional studies show that this variant may disrupt protein function (PMID: 10727844). A different variant at the same position has been determined to be Pathogenic or Likely Pathogenic. Computational prediction algorithms indicate this variant is likely to affect gene or protein function. Given the available evidence, this variant is classified as Pathogenic.

Fulgent Genetics
Classification: Likely pathogenic for Mucopolysaccharidosis, MPS-III-A. Last evaluated: 2024-03-30. Review status: criteria provided, single submitter. Criteria: ACMG Guidelines, 2015. Collection method: clinical testing. Allele origin: germline.

Institute of Medical Genetics and Applied Genomics, University Hospital Tübingen
Classification: Pathogenic for Mucopolysaccharidosis, MPS-III-A. Last evaluated: 2023-11-28. Review status: criteria provided, single submitter. Criteria: ACMG Guidelines, 2015. Collection method: clinical testing. Allele origin: germline. Inheritance: Autosomal recessive inheritance. Affected: yes.

Genome-Nilou Lab
Classification: Pathogenic for Mucopolysaccharidosis, MPS-III-A. Last evaluated: 2021-11-07. Review status: criteria provided, single submitter. Criteria: ACMG Guidelines, 2015. Collection method: clinical testing. Allele origin: germline. Affected: no.

Women's Health and Genetics/Laboratory Corporation of America, LabCorp
Classification: Pathogenic for Mucopolysaccharidosis, MPS-III-A. Last evaluated: 2021-10-06. Review status: criteria provided, single submitter. Criteria: LabCorp Variant Classification Summary - May 2015. Collection method: clinical testing. Allele origin: germline.
Comment: Variant summary: SGSH c.544C>T (p.Arg182Cys) results in a non-conservative amino acid change located in the Sulfatase, N-terminal domain (IPR000917) of the encoded protein sequence. Five of five in-silico tools predict a damaging effect of the variant on protein function. The variant allele was found at a frequency of 1.2e-05 in 244306 control chromosomes. c.544C>T has been reported in the literature in multiple individuals affected with Mucopolysaccharidosis Type IIIA (Sanfilippo Syndrome A) (example, Di Natale_1998, Valstar_2010, Heron_2011, Zanetti_2019). These data indicate that the variant is very likely to be associated with disease. At least one publication reports experimental evidence evaluating an impact on protein function. The most pronounced variant effect results in <10% of normal Sulfamidase enzyme activity in a homozygous patient (example, Zanetti_2019). Two clinical diagnostic laboratories have submitted clinical-significance assessments for this variant to ClinVar after 2014 without evidence for independent evaluation. All laboratories classified the variant as pathogenic/likely pathogenic. Based on the evidence outlined above, the variant was classified as pathogenic.

Laboratory of Diagnosis and Therapy of Lysosomal Disorders, University of Padova
Classification: Likely pathogenic for Mucopolysaccharidosis, MPS-III-A. Last evaluated: 2019-01-01. Review status: criteria provided, single submitter. Criteria: ACMG Guidelines, 2015. Collection method: literature only. Allele origin: germline. Affected: yes.
Comment: PS3: Low in vitro enzymatic activity. PM2: Very low frequency in ExAc

Genomic Research Center, Shahid Beheshti University of Medical Sciences
Classification: Pathogenic for Mucopolysaccharidosis, MPS-III-A. Last evaluated: 2017-12-18. Review status: criteria provided, single submitter. Criteria: ACMG Guidelines, 2015. Collection method: clinical testing. Allele origin: inherited. Affected: yes.

Center for Medical Genetics, GenVams Trust
Classification: Pathogenic for Mucopolysaccharidosis, MPS-III-A. Review status: criteria provided, single submitter. Criteria: ACMG Guidelines, 2015. Collection method: clinical testing. Allele origin: inherited. Inheritance: Autosomal recessive inheritance. Affected: yes. Observed: 1 homozygote.
Comment: In the patient, the variant caused absence of restriction site of MspA11 enzyme. This cleaved the 296 bp segment to 200 and 96 bp segments. This study also noted the phenotype to be intermediate in terms of severity (di Natale et al, 1998). The Arg182Cys variant has not been reported in the testing organization's (secondary organization here) internal database and has a minor allele frequency of 0.02% and 0.0008% in the 1000 genomes and ExAC databases respectively. The in silico prediction of the variant is probably damaging by PolyPhen-2 (HumDiv) and damaging by LRT, SIFT and MutationTaster2.

Rady Children's Institute for Genomic Medicine, Rady Children's Hospital San Diego
Classification: Pathogenic for Mucopolysaccharidosis, MPS-III-A. Review status: criteria provided, single submitter. Criteria: ACMG Guidelines, 2015. Collection method: clinical testing. Allele origin: germline. Affected: yes.
Comment: This variant has been previously reported as a compound heterozygous change in a patient with Mucopolysaccharidosis type IIIA (PMID: 21061399). In addition, another missense variant at this position, p.Arg182His, has been reported as a compound heterozygous change in a patient with Mucopolysaccharidosis type IIIA (PMID: 31718697). It is present in the heterozygous state in the gnomAD population database at a frequency of 0.001% (3/244306) and thus is presumed to be rare. The c.544C>T (p.Arg182Cys) variant affects a highly conserved amino acid and is predicted by multiple in silico tools to have a deleterious effect on protein function. Based on the available evidence, the c.544C>T (p.Arg182Cys) variant is classified as Pathogenic.

Literature cited by the submitters: PubMed 9554748 (cited by 3 submitters); PubMed 21061399 (cited by 3 submitters); PubMed 30809705 (cited by 3 submitters); PubMed 10727844 (cited by Labcorp Genetics (formerly Invitae), Labcorp and Natera, Inc.); PubMed 34813777 (cited by Natera, Inc.); PubMed 21204211 (cited by Women's Health and Genetics/Laboratory Corporation of America, LabCorp); PubMed 11182930 (cited by Laboratory of Diagnosis and Therapy of Lysosomal Disorders, University of Padova).